The following is an entry in ClinVar:

ClinVar aggregate classification (germline): Uncertain significance (1 of 4 stars; one submission).

Allele frequency attached by ClinVar (database versions not stated): gnomAD exomes below 0.00001.
gnomAD v4.1: 1 of 1,610,966 alleles (0.000062%); highest among the groups gnomAD compares: Non-Finnish European, 0.000085%; no homozygotes.

Submission:

Labcorp Genetics (formerly Invitae), Labcorp
Classification: Uncertain significance. Last evaluated: 2023-02-22. Review status: criteria provided, single submitter. Criteria: Invitae Variant Classification Sherloc (09022015). Collection method: clinical testing. Allele origin: germline.
Comment: This variant has not been reported in the literature in individuals affected with CTR9-related conditions. This variant is not present in population databases (gnomAD no frequency). This sequence change replaces arginine, which is basic and polar, with cysteine, which is neutral and slightly polar, at codon 832 of the CTR9 protein (p.Arg832Cys). An algorithm developed to predict the effect of missense changes on protein structure and function (PolyPhen-2) suggests that this variant is likely to be disruptive. In summary, the available evidence is currently insufficient to determine the role of this variant in disease. Therefore, it has been classified as a Variant of Uncertain Significance.

NM_014633.5(CTR9):c.2494C>T (p.Arg832Cys)

Gene: CTR9 (CTR9 component of Paf1/RNA polymerase II complex; plus strand). Cytogenetic location: 11p15.4.
Variant type: single nucleotide variant.
Coding change: c.2494C>T on transcript NM_014633.5 (MANE Select); coding-DNA position 2494, C replaced by T.
Protein change: p.Arg832Cys; replaces arginine 832 with cysteine.
Molecular consequence: missense variant.
Genome position (GRCh38, 1-based): chr11:10,772,569, C>T. VCF-style: chr11-10772569-C-T. GRCh37 (hg19) VCF-style: chr11-10794116-C-T.
Other names: c.2422C>T, p.Arg808Cys (NM_001346279.2); short protein forms R832C, R808C.
Identifiers: ClinVar variation 2983068 (VCV002983068.3), dbSNP rs2539389585, ClinGen allele CA379676038.
Genomic context (GRCh38, chr11:10,772,569, plus strand): 5'-AAATGTTCTAGGCAGTGTTCTGACTTACTGAGCCAGGCCCAGTACCATGTGGCCCGGGCA[C>T]GCAAACAAGATGAAGAAGAGCGGGAGCTGCGGGCCAAGCAAGAGCAAGAAAAGGAGCTGT-3'
Protein context (NP_055448.1, residues 822-842): SQAQYHVARA[Arg832Cys]KQDEEERELR